The following is an entry in ClinVar:

ClinVar aggregate classification (germline): Uncertain significance. Review status: criteria provided, multiple submitters, no conflicts (2 of 4 stars). 2 submissions from 2 submitters: Uncertain significance (2). Last evaluated 2025-09-02.

Conditions:
Dyskeratosis congenita, autosomal recessive 5 (DKCB5). Identifiers: MedGen C3554656, MONDO:0014076, OMIM 615190.
Pulmonary fibrosis and/or bone marrow failure, Telomere-related, 3. Also called: PULMONARY FIBROSIS AND/OR BONE MARROW FAILURE SYNDROME, TELOMERE-RELATED, 3. Identifiers: Orphanet 2032, MedGen C4225346, MONDO:0014613, OMIM 616373.
Inborn genetic diseases. Identifiers: MedGen C0950123, MeSH D030342.

gnomAD v4.1: 1 of 1,612,464 alleles (0.000062%); highest among the groups gnomAD compares: Admixed American, 0.0017%; no homozygotes.

Submissions (2):

Ambry Genetics
Classification: Uncertain significance for Inborn genetic diseases. Last evaluated: 2025-09-02. Review status: criteria provided, single submitter. Criteria: Ambry Variant Classification Scheme 2023. Collection method: clinical testing. Allele origin: germline.
Comment: The p.P867A variant (also known as c.2599C>G), located in coding exon 27 of the RTEL1 gene, results from a C to G substitution at nucleotide position 2599. The proline at codon 867 is replaced by alanine, an amino acid with highly similar properties. This amino acid position is conserved. In addition, this alteration is predicted to be tolerated by in silico analysis. Based on the available evidence, the clinical significance of this variant remains unclear.

Labcorp Genetics (formerly Invitae), Labcorp
Classification: Uncertain significance for Dyskeratosis congenita, autosomal recessive 5; Pulmonary fibrosis and/or bone marrow failure, Telomere-related, 3. Last evaluated: 2024-09-13. Review status: criteria provided, single submitter. Criteria: Invitae Variant Classification Sherloc (09022015). Collection method: clinical testing. Allele origin: germline.
Comment: This sequence change replaces proline, which is neutral and non-polar, with alanine, which is neutral and non-polar, at codon 867 of the RTEL1 protein (p.Pro867Ala). This variant is present in population databases (no rsID available, gnomAD 0.006%). This variant has not been reported in the literature in individuals affected with RTEL1-related conditions. An algorithm developed to predict the effect of missense changes on protein structure and function (PolyPhen-2) suggests that this variant is likely to be tolerated. In summary, the available evidence is currently insufficient to determine the role of this variant in disease. Therefore, it has been classified as a Variant of Uncertain Significance.

NM_001283009.2(RTEL1):c.2599C>G (p.Pro867Ala)

Genes: RTEL1 (regulator of telomere elongation helicase 1; plus strand), RTEL1-TNFRSF6B (RTEL1-TNFRSF6B readthrough (NMD candidate); plus strand). Cytogenetic location: 20q13.33.
Variant type: single nucleotide variant.
Coding change: c.2599C>G on transcript NM_001283009.2 (MANE Select); coding-DNA position 2599, C replaced by G.
Protein change: p.Pro867Ala; replaces proline 867 with alanine.
Molecular consequence: missense variant. On other transcripts: non-coding transcript variant (1).
Genome position (GRCh38, 1-based): chr20:63,691,784, C>G. VCF-style: chr20-63691784-C-G. GRCh37 (hg19) VCF-style: chr20-62323137-C-G.
Other names: c.1930C>G, p.Pro644Ala (NM_001283010.1); c.2599C>G, p.Pro867Ala (NM_016434.4); c.2671C>G, p.Pro891Ala (NM_032957.5); short protein forms P644A, P867A, P891A.
Identifiers: ClinVar variation 3762469 (VCV003762469.3).